The following is an entry in ClinVar:

NM_177965.4(CFAP418):c.317C>T (p.Pro106Leu)

Gene: CFAP418 (cilia and flagella associated protein 418; minus strand). Cytogenetic location: 8q22.1.
Variant type: single nucleotide variant.
Coding change: c.317C>T on transcript NM_177965.4 (MANE Select); coding-DNA position 317, C replaced by T.
Protein change: p.Pro106Leu; replaces proline 106 with leucine.
Molecular consequence: missense variant.
Genome position (GRCh38, 1-based): chr8:95,259,897, G>A on the plus strand (C>T on the coding strand, the complement: CFAP418 is on the minus strand). VCF-style: chr8-95259897-G-A. GRCh37 (hg19) VCF-style: chr8-96272125-G-A.
Other names: c.317C>T, p.Pro106Leu (NM_001363260.1); short protein forms P106L.
Identifiers: ClinVar variation 939845 (VCV000939845.13), dbSNP rs376587956, ClinGen allele CA4815180.

ClinVar aggregate classification (germline): Uncertain significance. Review status: criteria provided, multiple submitters, no conflicts (2 of 4 stars). 5 submissions from 5 submitters: Uncertain significance (3). 2 of the submissions do not count toward it. Last evaluated 2024-12-02.

Conditions:
CFAP418-related disorder. Also called: CFAP418-related condition.
Retinitis pigmentosa (RP). Identifiers: Orphanet 791, MedGen C0035334, MeSH D012174, MONDO:0019200, OMIM 268000. Inheritance: Autosomal dominant, autosomal recessive and X linked inheritance.
Bardet-biedl syndrome 21. Identifiers: MedGen C4319932, MONDO:0044308, OMIM 617406.
Cone-rod dystrophy 16 (CORD16). Identifiers: MedGen C3281045, MONDO:0013786, OMIM 614500.
Retinal dystrophy. Also called: Inherited retinal dystrophy. Identifiers: Orphanet 71862, MedGen C0854723, MeSH D058499, MONDO:0019118, HP:0000556.

Allele frequency attached by ClinVar (database versions not stated): TOPMed 0.00002; ESP Exome Variant Server 0.00008.
gnomAD v4.1: 41 of 1,603,950 alleles (0.0026%); highest among the groups gnomAD compares: Middle Eastern, 0.017%; no homozygotes.

Submissions (5):

Labcorp Genetics (formerly Invitae), Labcorp
Classification: Uncertain significance. Last evaluated: 2024-12-02. Review status: criteria provided, single submitter. Criteria: Invitae Variant Classification Sherloc (09022015). Collection method: clinical testing. Allele origin: germline.
Comment: This sequence change replaces proline, which is neutral and non-polar, with leucine, which is neutral and non-polar, at codon 106 of the C8orf37 protein (p.Pro106Leu). This variant is present in population databases (rs376587956, gnomAD 0.01%). This variant has not been reported in the literature in individuals affected with C8orf37-related conditions. ClinVar contains an entry for this variant (Variation ID: 939845). An algorithm developed to predict the effect of missense changes on protein structure and function (PolyPhen-2) suggests that this variant is likely to be disruptive. In summary, the available evidence is currently insufficient to determine the role of this variant in disease. Therefore, it has been classified as a Variant of Uncertain Significance.

Blueprint Genetics
Classification: Uncertain significance. Last evaluated: 2023-02-23. Review status: criteria provided, single submitter. Criteria: ACMG Guidelines, 2015. Collection method: clinical testing. Allele origin: germline.

Fulgent Genetics
Classification: Uncertain significance for Retinitis pigmentosa; Cone-rod dystrophy 16; Bardet-biedl syndrome 21. Last evaluated: 2021-07-07. Review status: criteria provided, single submitter. Criteria: ACMG Guidelines, 2015. Collection method: clinical testing. Allele origin: unknown.

PreventionGenetics, part of Exact Sciences
Classification: Uncertain significance for CFAP418-related condition. Last evaluated: 2024-01-30. Review status: no assertion criteria provided. Collection method: clinical testing. Allele origin: germline. Not counted in ClinVar's aggregate classification.
Comment: The CFAP418 c.317C>T variant is predicted to result in the amino acid substitution p.Pro106Leu. To our knowledge, this variant has not been reported in the literature. This variant is reported in 0.0096% of alleles in individuals of Latino descent in gnomAD. At this time, the clinical significance of this variant is uncertain due to the absence of conclusive functional and genetic evidence.

Institute of Human Genetics, Univ. Regensburg, Univ. Regensburg
Classification: Uncertain significance for Retinal dystrophy. Last evaluated: 2023-01-01. Review status: no assertion criteria provided. Criteria: ACMG Guidelines, 2015. Collection method: clinical testing. Allele origin: germline. Affected: yes. Not counted in ClinVar's aggregate classification.